The following is an entry in ClinVar:

ClinVar aggregate classification (germline): Uncertain significance (1 of 4 stars; one submission).

Conditions:
Early-infantile DEE. Also called: Ohtahara syndrome; Early infantile epileptic encephalopathy with suppression bursts; Early infantile epileptic encephalopathy. Identifiers: Orphanet 1934, MedGen C0393706, MONDO:0800491.

Submission:

Labcorp Genetics (formerly Invitae), Labcorp
Classification: Uncertain significance for Early-infantile DEE. Last evaluated: 2020-07-10. Review status: criteria provided, single submitter. Criteria: Invitae Variant Classification Sherloc (09022015). Collection method: clinical testing. Allele origin: germline.
Comment: This sequence change replaces threonine with asparagine at codon 1571 of the SCN1A protein (p.Thr1571Asn). The threonine residue is weakly conserved and there is a small physicochemical difference between threonine and asparagine. This variant is not present in population databases (ExAC no frequency). This variant has not been reported in the literature in individuals with SCN1A-related conditions. Algorithms developed to predict the effect of missense changes on protein structure and function output the following: SIFT: "Tolerated"; PolyPhen-2: "Benign"; Align-GVGD: "Class C0". The asparagine amino acid residue is found in multiple mammalian species, suggesting that this missense change does not adversely affect protein function. These predictions have not been confirmed by published functional studies and their clinical significance is uncertain. In summary, the available evidence is currently insufficient to determine the role of this variant in disease. Therefore, it has been classified as a Variant of Uncertain Significance.

NM_001165963.4(SCN1A):c.4712C>A (p.Thr1571Asn)

Genes: SCN1A (sodium voltage-gated channel alpha subunit 1; minus strand), LOC102724058 (uncharacterized LOC102724058; plus strand). Cytogenetic location: 2q24.3.
Variant type: single nucleotide variant.
Coding change: c.4712C>A on transcript NM_001165963.4 (MANE Select); coding-DNA position 4712, C replaced by A.
Protein change: p.Thr1571Asn; replaces threonine 1571 with asparagine.
Molecular consequence: missense variant. On other transcripts: non-coding transcript variant (1).
Genome position (GRCh38, 1-based): chr2:165,994,286, G>T on the plus strand (C>A on the coding strand, the complement: SCN1A is on the minus strand). VCF-style: chr2-165994286-G-T. GRCh37 (hg19) VCF-style: chr2-166850796-G-T.
Other names: c.4628C>A, p.Thr1543Asn (NM_001165964.3, NM_001353957.2, NM_001353958.2); c.4712C>A, p.Thr1571Asn (NM_001202435.3, NM_001353948.2); c.4679C>A, p.Thr1560Asn (NM_001353949.2, NM_001353950.2, NM_001353951.2 and 2 more transcripts); c.4676C>A, p.Thr1559Asn (NM_001353954.2, NM_001353955.2); c.4625C>A, p.Thr1542Asn (NM_001353960.2); c.2270C>A, p.Thr757Asn (NM_001353961.2); short protein forms T1571N, T1543N, T1560N, T1559N, T1542N, T757N.
Identifiers: ClinVar variation 1041699 (VCV001041699.9), dbSNP rs112547129, ClinGen allele CA349071923.